The following is an entry in ClinVar:

ClinVar aggregate classification (germline): Uncertain significance (1 of 4 stars; one submission).

Submission:

GeneDx
Classification: Uncertain significance. Last evaluated: 2024-01-08. Review status: criteria provided, single submitter. Criteria: GeneDx Variant Classification Process June 2021. Collection method: clinical testing. Allele origin: germline. Affected: yes.
Comment: Not observed at significant frequency in large population cohorts (gnomAD); Intronic +4 splice site variant in a gene for which loss of function is a known mechanism of disease, and both splice predictors and evolutionary conservation support a deleterious effect, although in the absence of functional evidence the actual effect of this sequence change is unknown; Has not been previously published as pathogenic or benign to our knowledge

NM_001844.5(COL2A1):c.1221+4del

Gene: COL2A1 (collagen type II alpha 1 chain; minus strand). Cytogenetic location: 12q13.11.
Variant type: Deletion.
Coding change: c.1221+4del on transcript NM_001844.5 (MANE Select); 4 bases into the intron after coding-DNA position 1221, one base deleted (A; older notation c.1221+4delA).
Molecular consequence: intron variant.
Genome position (GRCh38, 1-based): chr12:47,987,607, T deleted on the plus strand (A on the coding strand, the reverse complement: COL2A1 is on the minus strand); the first of 2 consecutive T bases (chr12:47,987,607-47,987,608); deleting either gives the same sequence. VCF-style (leftmost placement, unchanged base first): chr12-47987606-CT-C. GRCh37 (hg19) VCF-style: chr12-48381389-CT-C.
Other names: c.1014+4del (NM_033150.3).
Identifiers: ClinVar variation 3367450 (VCV003367450.1).